The following is an entry in ClinVar:

ClinVar aggregate classification (germline): Uncertain significance. Review status: criteria provided, multiple submitters, no conflicts (2 of 4 stars). 2 submissions from 2 submitters: Uncertain significance (2). Last evaluated 2026-03-01.

Conditions:
Oligodontia-cancer predisposition syndrome. Also called: TOOTH AGENESIS-COLORECTAL CANCER SYNDROME. Identifiers: Orphanet 300576, MedGen C1837750, MONDO:0012075, OMIM 608615. Disease mechanism: loss of function.

Submissions (2):

CeGaT Center for Human Genetics Tuebingen
Classification: Uncertain significance. Last evaluated: 2026-03-01. Review status: criteria provided, single submitter. Criteria: CeGaT Center For Human Genetics Tuebingen Variant Classification Criteria Version 2. Collection method: clinical testing. Allele origin: germline. Affected: yes. Observed: 1 variant allele.
Comment: AXIN2: PM2, BP4

Labcorp Genetics (formerly Invitae), Labcorp
Classification: Uncertain significance for Oligodontia-cancer predisposition syndrome. Last evaluated: 2022-05-17. Review status: criteria provided, single submitter. Criteria: Invitae Variant Classification Sherloc (09022015). Collection method: clinical testing. Allele origin: germline.
Comment: This sequence change replaces leucine, which is neutral and non-polar, with arginine, which is basic and polar, at codon 411 of the AXIN2 protein (p.Leu411Arg). This variant is not present in population databases (gnomAD no frequency). This variant has not been reported in the literature in individuals affected with AXIN2-related conditions. Algorithms developed to predict the effect of missense changes on protein structure and function (SIFT, PolyPhen-2, Align-GVGD) all suggest that this variant is likely to be tolerated. In summary, the available evidence is currently insufficient to determine the role of this variant in disease. Therefore, it has been classified as a Variant of Uncertain Significance.

NM_004655.4(AXIN2):c.1232T>G (p.Leu411Arg)

Gene: AXIN2 (axin 2; minus strand). Cytogenetic location: 17q24.1.
Variant type: single nucleotide variant.
Coding change: c.1232T>G on transcript NM_004655.4 (MANE Select); coding-DNA position 1232, T replaced by G.
Protein change: p.Leu411Arg; replaces leucine 411 with arginine.
Molecular consequence: missense variant.
Genome position (GRCh38, 1-based): chr17:65,537,804, A>C on the plus strand (T>G on the coding strand, the complement: AXIN2 is on the minus strand). VCF-style: chr17-65537804-A-C. GRCh37 (hg19) VCF-style: chr17-63533922-A-C.
Other names: c.1232T>G, p.Leu411Arg (NM_001363813.1); short protein forms L411R.
Identifiers: ClinVar variation 2173460 (VCV002173460.8), dbSNP rs2509418281, ClinGen allele CA400677909.
Genomic context (GRCh38, chr17:65,537,804, plus strand): 5'-TAGCTGCCGGAGGGCAGTAGGGAGAGGGGGTGCTGCGTGGGCGCCCCCTCCCGCGAATTG[A>C]GTGTGAGCTCGGAGCCCTCTCTCTCTTCATCCTGAAAGGGAAGACGTCAGAAGGAGAAGT-3'
Protein context (NP_004646.3, residues 401-421): DEEREGSELT[Leu411Arg]NSREGAPTQH